The following is an entry in ClinVar:

NM_004360.5(CDH1):c.864C>T (p.Asp288=)

Gene: CDH1 (cadherin 1; plus strand). Cytogenetic location: 16q22.1.
Variant type: single nucleotide variant.
Coding change: c.864C>T on transcript NM_004360.5 (MANE Select); coding-DNA position 864, C replaced by T.
Protein change: p.Asp288=; no amino-acid change (aspartic acid 288 retained).
Molecular consequence: synonymous variant. On other transcripts: 5 prime UTR variant (2).
Genome position (GRCh38, 1-based): chr16:68,811,715, C>T. VCF-style: chr16-68811715-C-T. GRCh37 (hg19) VCF-style: chr16-68845618-C-T.
Other names: c.864C>T (LRG_301t1); c.864C>T, p.Asp288= (NM_001317184.2); c.-752C>T (NM_001317185.2); c.-956C>T (NM_001317186.2).
Identifiers: ClinVar variation 380244 (VCV000380244.19), dbSNP rs1057520804, ClinGen allele CA16607446.
Genomic context (GRCh38, chr16:68,811,715, plus strand): 5'-TAAACCTTCATCTCCTTGAACTCTTCCAGGAACCTCTGTGATGGAGGTCACAGCCACAGA[C>T]GCGGACGATGATGTGAACACCTACAATGCCGCCATCGCTTACACCATCCTCAGCCAAGAT-3'
Protein context (NP_004351.1, residues 278-298): GTSVMEVTAT[Asp288=]ADDDVNTYNA

ClinVar aggregate classification (germline): Benign/Likely benign. Review status: criteria provided, multiple submitters, no conflicts (2 of 4 stars). 5 submissions from 5 submitters: Benign (1); Likely benign (4). Last evaluated 2026-01-21.

Conditions:
Hereditary cancer-predisposing syndrome. Also called: Hereditary neoplastic syndrome; Tumor predisposition; Neoplastic Syndromes, Hereditary; Hereditary Cancer Syndrome. Identifiers: Orphanet 140162, MedGen C0027672, MeSH D009386, MONDO:0015356.
Hereditary diffuse gastric adenocarcinoma (HDGC). Also called: DIFFUSE GASTRIC AND LOBULAR BREAST CANCER SYNDROME. Identifiers: Orphanet 26106, MedGen C1708349, MONDO:0007648, OMIM 137215.

gnomAD v4.1: 7 of 1,614,056 alleles (0.00043%); highest among the groups gnomAD compares: South Asian, 0.0033%; no homozygotes.

Submissions (5):

Labcorp Genetics (formerly Invitae), Labcorp
Classification: Likely benign for Hereditary diffuse gastric adenocarcinoma. Last evaluated: 2026-01-21. Review status: criteria provided, single submitter. Criteria: Invitae Variant Classification Sherloc (09022015). Collection method: clinical testing. Allele origin: germline.

Myriad Genetics, Inc.
Classification: Benign for Hereditary diffuse gastric adenocarcinoma. Last evaluated: 2024-09-16. Review status: criteria provided, single submitter. Criteria: Myriad Autosomal Dominant, Autosomal Recessive and X-Linked Classification Criteria (2023). Collection method: clinical testing. Allele origin: unknown.
Comment: This variant is considered benign. This variant is a silent/synonymous amino acid change and it is not expected to impact splicing.

Color Diagnostics, LLC DBA Color Health
Classification: Likely benign for Hereditary cancer-predisposing syndrome. Last evaluated: 2016-09-09. Review status: criteria provided, single submitter. Criteria: ACMG Guidelines, 2015. Collection method: clinical testing. Allele origin: germline.

GeneDx
Classification: Likely benign. Last evaluated: 2016-02-09. Review status: criteria provided, single submitter. Criteria: GeneDx Variant Classification (06012015). Collection method: clinical testing. Allele origin: germline. Affected: yes.
Comment: This variant is considered likely benign or benign based on one or more of the following criteria: it is a conservative change, it occurs at a poorly conserved position in the protein, it is predicted to be benign by multiple in silico algorithms, and/or has population frequency not consistent with disease.

Ambry Genetics
Classification: Likely benign for Hereditary cancer-predisposing syndrome. Last evaluated: 2015-04-07. Review status: criteria provided, single submitter. Criteria: Ambry Variant Classification Scheme 2023. Collection method: clinical testing. Allele origin: germline.